The following is an entry in ClinVar:

NM_000548.5(TSC2):c.3913_3916delinsTGGA (p.Pro1305_Gly1306delinsTrpSer)

Gene: TSC2 (TSC complex subunit 2; plus strand). Cytogenetic location: 16p13.3.
Variant type: Indel.
Coding change: c.3913_3916delinsTGGA on transcript NM_000548.5 (MANE Select); coding-DNA positions 3913 to 3916, CCGG replaced by TGGA.
Protein change: p.Pro1305_Gly1306delinsTrpSer.
Molecular consequence: missense variant.
Genome position (GRCh38, 1-based): chr16:2,083,724-2,083,727, CCGG replaced by TGGA. VCF-style: chr16-2083724-CCGG-TGGA. GRCh37 (hg19) VCF-style: chr16-2133725-CCGG-TGGA.
Other names: c.3712_3715delinsTGGA, p.Pro1238_Gly1239delinsTrpSer (NM_001077183.3); c.3844_3847delinsTGGA, p.Pro1282_Gly1283delinsTrpSer (NM_001114382.3); c.3604_3607delinsTGGA, p.Pro1202_Gly1203delinsTrpSer (NM_001318827.2); c.3568_3571delinsTGGA, p.Pro1190_Gly1191delinsTrpSer (NM_001318829.2); c.3181_3184delinsTGGA, p.Pro1061_Gly1062delinsTrpSer (NM_001318831.2); c.3745_3748delinsTGGA, p.Pro1249_Gly1250delinsTrpSer (NM_001318832.2); c.3715_3718delinsTGGA, p.Pro1239_Gly1240delinsTrpSer (NM_001363528.2); c.3781_3784delinsTGGA, p.Pro1261_Gly1262delinsTrpSer (NM_001370404.1); and 1 more.
Identifiers: ClinVar variation 135382 (VCV000135382.1), dbSNP rs587778735, ClinGen allele CA019678.
Genomic context (GRCh38, chr16:2,083,724, plus strand): 5'-ACATCCAGCAGCCCCGTCTGTGTCCTCCCAGACTCCGCCGTGGTCATGGAGGAGGGAAGT[CCGG>TGGA]GCGAGGTTCCTGTGCTGGTGGAGCCCCCAGGGTTGGAGGACGTTGAGGCAGCGCTAGGCA-3'

ClinVar aggregate classification (germline): not provided (0 of 4 stars; one submission).

Submission:

ITMI
No classification provided. Condition: AllHighlyPenetrant. Last evaluated: 2013-09-19. Review status: no classification provided. Collection method: reference population. Allele origin: germline.
Comment: Please see associated publication for description of ethnicities

Literature cited by the submitters: PubMed 24728327.